The following is an entry in ClinVar:

NM_000046.5(ARSB):c.275C>T (p.Thr92Met)

Genes: ARSB (arylsulfatase B; minus strand), LOC129994126 (ATAC-STARR-seq lymphoblastoid silent region 16127; plus strand). Cytogenetic location: 5q14.1.
Variant type: single nucleotide variant.
Coding change: c.275C>T on transcript NM_000046.5 (MANE Select); coding-DNA position 275, C replaced by T.
Protein change: p.Thr92Met; replaces threonine 92 with methionine.
Molecular consequence: missense variant.
Genome position (GRCh38, 1-based): chr5:78,984,974, G>A on the plus strand (C>T on the coding strand, the complement: ARSB is on the minus strand). VCF-style: chr5-78984974-G-A. GRCh37 (hg19) VCF-style: chr5-78280797-G-A.
Other names: c.275C>T, p.Thr92Met (NM_198709.3); short protein forms T92M.
Identifiers: ClinVar variation 559759 (VCV000559759.9), dbSNP rs751010538, ClinGen allele CA3318317.
Genomic context (GRCh38, chr5:78,984,974, plus strand): 5'-CGGGCGGCGGGGGCGCCGCGTACCTGGTAGCGGCCAGTGAGCAGCTGGCTCCGCGACGGC[G>A]TGCACAGCGGCTGCGTGTAGTAGTTGTCCAGGAGCACCCCGCCGGCCGCCAGCGCGTCCA-3'
Protein context (NP_000037.2, residues 82-102): LDNYYTQPLC[Thr92Met]PSRSQLLTGR

ClinVar aggregate classification (germline): Likely pathogenic. Review status: criteria provided, multiple submitters, no conflicts (2 of 4 stars). 4 submissions from 4 submitters: Likely pathogenic (3). 1 of the submissions does not count toward it. Last evaluated 2025-05-16.

Conditions:
Mucopolysaccharidosis type 6 (MPS6). Also called: ARSB DEFICIENCY; ARYLSULFATASE B DEFICIENCY; MPS VI; N-ACETYLGALACTOSAMINE-4-SULFATASE DEFICIENCY; MPS 6; Maroteaux Lamy syndrome. Identifiers: Orphanet 583, MedGen C0026709, MONDO:0009661, OMIM 253200.

Allele frequency attached by ClinVar (database versions not stated): TOPMed 0.00001; gnomAD exomes 0.00005 and 0.00001; ExAC 0.00002; gnomAD 0.00001.
gnomAD v4.1: 64 of 1,512,102 alleles (0.0042%); highest among the groups gnomAD compares: Non-Finnish European, 0.0051%; no homozygotes.

Submissions (4):

Natera, Inc.
Classification: Likely pathogenic for Mucopolysaccharidosis type VI. Last evaluated: 2025-05-16. Review status: criteria provided, single submitter. Criteria: Natera Variant Classification Schema (03/2026). Collection method: clinical testing. Allele origin: germline.
Comment: The c.275C>T variant in ARSB is a missense variant predicted to cause substitution of threonine to methionine at amino acid 92. This variant is rare in the general population with a frequency below the threshold expected for the associated phenotype(s). This variant has been observed in one or more individuals affected with the associated recessive disease, as either homozygous or compound heterozygous with a second variant (PMID: 22976768). A different variant at the same position has been determined to be Pathogenic or Likely Pathogenic. Computational prediction algorithms indicate this variant is likely to affect gene or protein function. Given the available evidence, this variant is classified as Likely Pathogenic.

Fulgent Genetics
Classification: Likely pathogenic for Mucopolysaccharidosis type 6. Last evaluated: 2024-06-21. Review status: criteria provided, single submitter. Criteria: ACMG Guidelines, 2015. Collection method: clinical testing. Allele origin: germline.

Labcorp Genetics (formerly Invitae), Labcorp
Classification: Likely pathogenic for Mucopolysaccharidosis type 6. Last evaluated: 2024-05-29. Review status: criteria provided, single submitter. Criteria: Invitae Variant Classification Sherloc (09022015). Collection method: clinical testing. Allele origin: germline.
Comment: This sequence change replaces threonine, which is neutral and polar, with methionine, which is neutral and non-polar, at codon 92 of the ARSB protein (p.Thr92Met). The frequency data for this variant in the population databases is considered unreliable, as metrics indicate poor data quality at this position in the gnomAD database. This missense change has been observed in individual(s) with clinical features of mucopolysaccharidosis type VI (PMID: 8651289, 22976768). ClinVar contains an entry for this variant (Variation ID: 559759). Advanced modeling of protein sequence and biophysical properties (such as structural, functional, and spatial information, amino acid conservation, physicochemical variation, residue mobility, and thermodynamic stability) performed at Invitae indicates that this missense variant is expected to disrupt ARSB protein function with a positive predictive value of 95%. Experimental studies have shown that this missense change affects ARSB function (PMID: 8651289). This variant disrupts the p.Thr92 amino acid residue in ARSB. Other variant(s) that disrupt this residue have been determined to be pathogenic (PMID: 17458871, 30982216). This suggests that this residue is clinically significant, and that variants that disrupt this residue are likely to be disease-causing. In summary, the currently available evidence indicates that the variant is pathogenic, but additional data are needed to prove that conclusively. Therefore, this variant has been classified as Likely Pathogenic.

Laboratory of Diagnosis and Therapy of Lysosomal Disorders, University of Padova
Classification: Uncertain significance for Mucopolysaccharidosis type 6. Last evaluated: 2018-01-01. Review status: flagged submission. Criteria: ACMG Guidelines, 2015. Collection method: curation. Allele origin: germline. Affected: yes. Not counted in ClinVar's aggregate classification.
Comment: Very low frequency in GnomAD (PM2)
ClinVar note: Reason: Older claim that does not account for recent evidence

Literature cited by the submitters: PubMed 22976768 (cited by Natera, Inc. and Labcorp Genetics (formerly Invitae), Labcorp); PubMed 8651289 (cited by Labcorp Genetics (formerly Invitae), Labcorp); PubMed 17458871 (cited by Labcorp Genetics (formerly Invitae), Labcorp); PubMed 30982216 (cited by Labcorp Genetics (formerly Invitae), Labcorp); PubMed 30118150 (cited by Laboratory of Diagnosis and Therapy of Lysosomal Disorders, University of Padova).